The following is an entry in ClinVar:

NM_001291303.3(FAT4):c.13223G>A (p.Ser4408Asn)

Gene: FAT4 (FAT atypical cadherin 4; plus strand). Cytogenetic location: 4q28.1.
Variant type: single nucleotide variant.
Coding change: c.13223G>A on transcript NM_001291303.3 (MANE Select); coding-DNA position 13223, G replaced by A.
Protein change: p.Ser4408Asn; replaces serine 4408 with asparagine.
Molecular consequence: missense variant.
Genome position (GRCh38, 1-based): chr4:125,490,039, G>A. VCF-style: chr4-125490039-G-A. GRCh37 (hg19) VCF-style: chr4-126411194-G-A.
Other names: c.13220G>A, p.Ser4407Asn (NM_001291285.3); c.13217G>A, p.Ser4406Asn (NM_024582.6); short protein forms S4407N, S4406N, S4408N.
Identifiers: ClinVar variation 1375156 (VCV001375156.6), dbSNP rs2126096178, ClinGen allele CA358135926.

ClinVar aggregate classification (germline): Uncertain significance (1 of 4 stars; one submission).

Allele frequency attached by ClinVar (database versions not stated): gnomAD exomes below 0.00001.
gnomAD v4.1: 1 of 1,613,984 alleles (0.000062%); highest among the groups gnomAD compares: Non-Finnish European, 0.000085%; no homozygotes.

Submission:

Labcorp Genetics (formerly Invitae), Labcorp
Classification: Uncertain significance. Last evaluated: 2023-07-21. Review status: criteria provided, single submitter. Criteria: Invitae Variant Classification Sherloc (09022015). Collection method: clinical testing. Allele origin: germline.
Comment: ClinVar contains an entry for this variant (Variation ID: 1375156). Advanced modeling of protein sequence and biophysical properties (such as structural, functional, and spatial information, amino acid conservation, physicochemical variation, residue mobility, and thermodynamic stability) has been performed at Invitae for this missense variant, however the output from this modeling did not meet the statistical confidence thresholds required to predict the impact of this variant on FAT4 protein function. In summary, the available evidence is currently insufficient to determine the role of this variant in disease. Therefore, it has been classified as a Variant of Uncertain Significance. This variant has not been reported in the literature in individuals affected with FAT4-related conditions. This sequence change replaces serine, which is neutral and polar, with asparagine, which is neutral and polar, at codon 4406 of the FAT4 protein (p.Ser4406Asn). This variant is not present in population databases (gnomAD no frequency).